The following is an entry in ClinVar:

NM_001174150.2(ARL13B):c.626G>A (p.Arg209His)

Gene: ARL13B (ARF like GTPase 13B; plus strand). Cytogenetic location: 3q11.2.
Variant type: single nucleotide variant.
Coding change: c.626G>A on transcript NM_001174150.2 (MANE Select); coding-DNA position 626, G replaced by A.
Protein change: p.Arg209His; replaces arginine 209 with histidine.
Molecular consequence: missense variant. On other transcripts: non-coding transcript variant (2).
Genome position (GRCh38, 1-based): chr3:94,036,691, G>A. VCF-style: chr3-94036691-G-A. GRCh37 (hg19) VCF-style: chr3-93755535-G-A.
Other names: c.317G>A, p.Arg106His (NM_001174151.2); c.581G>A, p.Arg194His (NM_001321328.2); c.305G>A, p.Arg102His (NM_144996.4); c.626G>A, p.Arg209His (NM_182896.3); short protein forms R209H, R102H, R106H, R194H.
Identifiers: ClinVar variation 385624 (VCV000385624.9), dbSNP rs199790565, ClinGen allele CA2504105.

ClinVar aggregate classification (germline): Conflicting classifications of pathogenicity. Review status: criteria provided, conflicting classifications (1 of 4 stars). 5 submissions from 5 submitters: Uncertain significance (4); Likely benign (1). Last evaluated 2025-08-09.

Conditions:
Joubert syndrome 8 (JBTS8). Identifiers: Orphanet 475, MedGen C2676771, MONDO:0012855, OMIM 612291.
Inborn genetic diseases. Identifiers: MedGen C0950123, MeSH D030342.

Allele frequency attached by ClinVar (database versions not stated): ESP Exome Variant Server 0.00008; TOPMed 0.00020; 1000 Genomes Project 30x 0.00031; 1000 Genomes Project 0.00040.

Submissions (5):

Ambry Genetics
Classification: Uncertain significance for Inborn genetic diseases. Last evaluated: 2025-08-09. Review status: criteria provided, single submitter. Criteria: Ambry Variant Classification Scheme 2023. Collection method: clinical testing. Allele origin: germline.

Fulgent Genetics
Classification: Likely benign for Joubert syndrome 8. Last evaluated: 2024-02-27. Review status: criteria provided, single submitter. Criteria: ACMG Guidelines, 2015. Collection method: clinical testing. Allele origin: germline.

Blueprint Genetics
Classification: Uncertain significance. Last evaluated: 2024-01-30. Review status: criteria provided, single submitter. Criteria: ACMG Guidelines, 2015. Collection method: clinical testing. Allele origin: germline.

Labcorp Genetics (formerly Invitae), Labcorp
Classification: Uncertain significance for Joubert syndrome 8. Last evaluated: 2022-10-05. Review status: criteria provided, single submitter. Criteria: Invitae Variant Classification Sherloc (09022015). Collection method: clinical testing. Allele origin: germline.
Comment: This sequence change replaces arginine, which is basic and polar, with histidine, which is basic and polar, at codon 209 of the ARL13B protein (p.Arg209His). This variant is present in population databases (rs199790565, gnomAD 0.1%). This variant has not been reported in the literature in individuals affected with ARL13B-related conditions. ClinVar contains an entry for this variant (Variation ID: 385624). Advanced modeling of protein sequence and biophysical properties (such as structural, functional, and spatial information, amino acid conservation, physicochemical variation, residue mobility, and thermodynamic stability) performed at Invitae indicates that this missense variant is not expected to disrupt ARL13B protein function. In summary, the available evidence is currently insufficient to determine the role of this variant in disease. Therefore, it has been classified as a Variant of Uncertain Significance.

GeneDx
Classification: Uncertain significance. Last evaluated: 2016-05-03. Review status: criteria provided, single submitter. Criteria: GeneDx Variant Classification (06012015). Collection method: clinical testing. Allele origin: germline. Affected: yes.
Comment: A variant of uncertain significance has been identified in the ARL13B gene. The R209H variant has not been published as a pathogenic variant, nor has it been reported as a benign variant to our knowledge. The R209H variant was not observed with any significant frequency in approximately 6,500 individuals of European and African American ancestry in the NHLBI Exome Sequencing Project, but the 1000 Genomes Project reports it was observed in 2/1322 (0.2%) alleles from individuals of African background. This substitution occurs at a position that is conserved in mammals; however, Histidine is observed at this position in evolution. Additionally, the R209H variant is a conservative amino acid substitution, which is not likely to impact secondary protein structure as these residues share similar properties. In silico analysis is inconsistent in its predictions as to whether or not the variant is damaging to the protein structure/function. Therefore, based on the currently available information, it is unclear whether this variant is a pathogenic variant or a rare benign variant.